The following is an entry in ClinVar:

NM_001164508.2(NEB):c.21736-19TC[2]

Genes: RIF1 (replication timing regulatory factor 1; plus strand), NEB (nebulin; minus strand). Cytogenetic location: 2q23.3.
Variant type: Microsatellite.
Coding change: c.21736-19TC[2] on transcript NM_001164508.2 (MANE Select); two copies in a row of the 2-base unit TC starting at c.21736-19; the reference has three copies in a row; one copy, 2 bases deleted.
Molecular consequence: intron variant.
Genome position (GRCh38, 1-based): chr2:151,527,599-151,527,600, GA deleted on the plus strand (TC on the coding strand, the reverse complement: NEB is on the minus strand); deleting any 2 consecutive bases within chr2:151,527,599-151,527,604 gives the same sequence; the position shown is the placement nearest the transcript's 3' end. VCF-style (leftmost placement, unchanged base first): chr2-151527598-GGA-G. GRCh37 (hg19) VCF-style: chr2-152384112-GGA-G.
Other names: c.16633-19TC[2] (NM_004543.5); c.21736-19TC[2] (NM_001164507.2); c.21841-19TC[2] (NM_001271208.2); c.21841-15_21841-14delTC (NM_001271208.1).
Identifiers: ClinVar variation 514478 (VCV000514478.8), dbSNP rs752810060, ClinGen allele CA1906888.

ClinVar aggregate classification (germline): Likely benign. Review status: criteria provided, multiple submitters, no conflicts (2 of 4 stars). 2 submissions from 2 submitters: Likely benign (2). Last evaluated 2023-09-28.

Conditions:
Nemaline myopathy 2 (NEM2). Also called: Nemaline myopathy 2, autosomal recessive. Identifiers: MedGen C1850569, MONDO:0009725, OMIM 256030.

Submissions (2):

Labcorp Genetics (formerly Invitae), Labcorp
Classification: Likely benign for Nemaline myopathy 2. Last evaluated: 2023-09-28. Review status: criteria provided, single submitter. Criteria: Invitae Variant Classification Sherloc (09022015). Collection method: clinical testing. Allele origin: germline.

GeneDx
Classification: Likely benign. Last evaluated: 2018-01-11. Review status: criteria provided, single submitter. Criteria: GeneDx Variant Classification (06012015). Collection method: clinical testing. Allele origin: germline. Affected: yes.
Comment: This variant is considered likely benign or benign based on one or more of the following criteria: it is a conservative change, it occurs at a poorly conserved position in the protein, it is predicted to be benign by multiple in silico algorithms, and/or has population frequency not consistent with disease.